The following is an entry in ClinVar:

NM_020937.4(FANCM):c.1071C>G (p.Ile357Met)

Gene: FANCM (FA complementation group M; plus strand). Cytogenetic location: 14q21.2.
Variant type: single nucleotide variant.
Coding change: c.1071C>G on transcript NM_020937.4 (MANE Select); coding-DNA position 1071, C replaced by G.
Protein change: p.Ile357Met; replaces isoleucine 357 with methionine.
Molecular consequence: missense variant.
Genome position (GRCh38, 1-based): chr14:45,153,940, C>G. VCF-style: chr14-45153940-C-G. GRCh37 (hg19) VCF-style: chr14-45623143-C-G.
Other names: c.993C>G, p.Ile331Met (NM_001308133.2); c.1071C>G, p.Ile357Met (NM_001308134.2); short protein forms I331M, I357M.
Identifiers: ClinVar variation 1037221 (VCV001037221.11), dbSNP rs780333012, ClinGen allele CA389590815.
Genomic context (GRCh38, chr14:45,153,940, plus strand): 5'-TTATTTCTCTGGTTAAATTTGACATATGCTGTTTTTCTAGGGAATACAACAAGGCATAAT[C>G]GAGGGAGAGTTTGCTATTTGTATTAGTTTATATCATGGTTATGAATTATTGCAGCAAATG-3'
Protein context (NP_065988.1, residues 347-367): PNIVGIQQGI[Ile357Met]EGEFAICISL

ClinVar aggregate classification (germline): Uncertain significance. Review status: criteria provided, multiple submitters, no conflicts (2 of 4 stars). 3 submissions from 3 submitters: Uncertain significance (3). Last evaluated 2024-12-25.

Conditions:
Fanconi anemia (FA). Also called: Fanconi's anemia. Identifiers: Orphanet 84, MedGen C0015625, MeSH D005199, MONDO:0019391.
Inborn genetic diseases. Identifiers: MedGen C0950123, MeSH D030342.

gnomAD v4.1: 2 of 1,608,654 alleles (0.00012%); highest among the groups gnomAD compares: Non-Finnish European, 0.00017%; no homozygotes.

Submissions (3):

Ambry Genetics
Classification: Uncertain significance for Inborn genetic diseases. Last evaluated: 2024-12-25. Review status: criteria provided, single submitter. Criteria: Ambry Variant Classification Scheme 2023. Collection method: clinical testing. Allele origin: germline.
Comment: The p.I357M variant (also known as c.1071C>G), located in coding exon 6 of the FANCM gene, results from a C to G substitution at nucleotide position 1071. The isoleucine at codon 357 is replaced by methionine, an amino acid with highly similar properties. This amino acid position is conserved. In addition, this alteration is predicted to be tolerated by in silico analysis. Based on the available evidence, the clinical significance of this variant remains unclear.

Labcorp Genetics (formerly Invitae), Labcorp
Classification: Uncertain significance for Fanconi anemia. Last evaluated: 2022-09-18. Review status: criteria provided, single submitter. Criteria: Invitae Variant Classification Sherloc (09022015). Collection method: clinical testing. Allele origin: germline.
Comment: This variant has not been reported in the literature in individuals affected with FANCM-related conditions. In summary, the available evidence is currently insufficient to determine the role of this variant in disease. Therefore, it has been classified as a Variant of Uncertain Significance. Algorithms developed to predict the effect of missense changes on protein structure and function are either unavailable or do not agree on the potential impact of this missense change (SIFT: "Deleterious"; PolyPhen-2: "Benign"; Align-GVGD: "Class C0"). ClinVar contains an entry for this variant (Variation ID: 1037221). This variant is present in population databases (no rsID available, gnomAD 0.0009%). This sequence change replaces isoleucine, which is neutral and non-polar, with methionine, which is neutral and non-polar, at codon 357 of the FANCM protein (p.Ile357Met).

GeneDx
Classification: Uncertain significance. Last evaluated: 2020-02-03. Review status: criteria provided, single submitter. Criteria: GeneDx Variant Classification Process June 2021. Collection method: clinical testing. Allele origin: germline. Affected: yes.
Comment: Not observed at a significant frequency in large population cohorts (Lek 2016); In silico analysis supports that this missense variant does not alter protein structure/function; Has not been previously published as pathogenic or benign to our knowledge